The following is an entry in ClinVar:

NM_006757.4(TNNT3):c.760G>A (p.Gly254Ser)

Gene: TNNT3 (troponin T3, fast skeletal type; plus strand). Cytogenetic location: 11p15.5.
Variant type: single nucleotide variant.
Coding change: c.760G>A on transcript NM_006757.4 (MANE Select); coding-DNA position 760, G replaced by A.
Protein change: p.Gly254Ser; replaces glycine 254 with serine.
Molecular consequence: missense variant.
Genome position (GRCh38, 1-based): chr11:1,938,475, G>A. VCF-style: chr11-1938475-G-A. GRCh37 (hg19) VCF-style: chr11-1959705-G-A.
Other names: c.736G>A, p.Gly246Ser (NM_001042780.3, NM_001042782.3, NM_001297646.2 and 2 more transcripts); c.754G>A, p.Gly252Ser (NM_001042781.3, NM_001367842.1, NM_001367843.1); c.769G>A, p.Gly257Ser (NM_001363561.2, NM_001367847.1); c.793G>A, p.Gly265Ser (NM_001367846.1); c.757G>A, p.Gly253Ser (NM_001367848.1); c.748G>A, p.Gly250Ser (NM_001367849.1); c.703G>A, p.Gly235Ser (NM_001367850.1); c.556G>A, p.Gly186Ser (NM_001367851.1, NM_001367852.1); short protein forms G250S, G257S, G186S, G252S, G265S, G235S, G246S, G254S.
Identifiers: ClinVar variation 1385689 (VCV001385689.6), dbSNP rs372186101, ClinGen allele CA5816665.

ClinVar aggregate classification (germline): Uncertain significance (1 of 4 stars; one submission).

Allele frequency attached by ClinVar (database versions not stated): ESP Exome Variant Server 0.00008.
gnomAD v4.1: 14 of 1,613,368 alleles (0.00087%); highest among the groups gnomAD compares: East Asian, 0.0045%; no homozygotes.

Submission:

Labcorp Genetics (formerly Invitae), Labcorp
Classification: Uncertain significance. Last evaluated: 2021-10-24. Review status: criteria provided, single submitter. Criteria: Invitae Variant Classification Sherloc (09022015). Collection method: clinical testing. Allele origin: germline.
Comment: In summary, the available evidence is currently insufficient to determine the role of this variant in disease. Therefore, it has been classified as a Variant of Uncertain Significance. Algorithms developed to predict the effect of missense changes on protein structure and function are either unavailable or do not agree on the potential impact of this missense change (SIFT: "Tolerated"; PolyPhen-2: "Probably Damaging"; Align-GVGD: "Class C0"). This variant has not been reported in the literature in individuals affected with TNNT3-related conditions. This variant is present in population databases (rs372186101, ExAC 0.003%). This sequence change replaces glycine with serine at codon 254 of the TNNT3 protein (p.Gly254Ser). The glycine residue is highly conserved and there is a small physicochemical difference between glycine and serine.